The following is an entry in ClinVar:

ClinVar aggregate classification (germline): Uncertain significance (1 of 4 stars; one submission).

Submission:

Labcorp Genetics (formerly Invitae), Labcorp
Classification: Uncertain significance. Last evaluated: 2023-08-30. Review status: criteria provided, single submitter. Criteria: Invitae Variant Classification Sherloc (09022015). Collection method: clinical testing. Allele origin: germline.
Comment: This variant has not been reported in the literature in individuals affected with SCN3A-related conditions. In summary, the available evidence is currently insufficient to determine the role of this variant in disease. Therefore, it has been classified as a Variant of Uncertain Significance. Experimental studies and prediction algorithms are not available or were not evaluated, and the functional significance of this variant is currently unknown. Information on the frequency of this variant in the gnomAD database is not available, as this variant may be reported differently in the database. This variant, c.110_113delinsTTTT, is a complex sequence change that results in the deletion of 2 and insertion of 2 amino acid(s) in the SCN3A protein (p.Pro37_Lys38delinsLeuLeu).

NM_006922.4(SCN3A):c.110_113delinsTTTT (p.Pro37_Lys38delinsLeuLeu)

Gene: SCN3A (sodium voltage-gated channel alpha subunit 3; minus strand). Cytogenetic location: 2q24.3.
Variant type: Indel.
Coding change: c.110_113delinsTTTT on transcript NM_006922.4 (MANE Select); coding-DNA positions 110 to 113, CCAA replaced by TTTT.
Protein change: p.Pro37_Lys38delinsLeuLeu.
Molecular consequence: missense variant.
Genome position (GRCh38, 1-based): chr2:165,176,282-165,176,285, TTGG replaced by AAAA on the plus strand (CCAA replaced by TTTT on the coding strand, the reverse complement: SCN3A is on the minus strand). VCF-style: chr2-165176282-TTGG-AAAA. GRCh37 (hg19) VCF-style: chr2-166032792-TTGG-AAAA.
Other names: c.110_113delinsTTTT, p.Pro37_Lys38delinsLeuLeu (NM_001081676.2, NM_001081677.2).
Identifiers: ClinVar variation 2831575 (VCV002831575.3), dbSNP rs2468565865, ClinGen allele CA2739271527.